The following is an entry in ClinVar:

NM_001113378.2(FANCI):c.3237G>A (p.Thr1079=)

Gene: FANCI (FA complementation group I; plus strand). Cytogenetic location: 15q26.1.
Variant type: single nucleotide variant.
Coding change: c.3237G>A on transcript NM_001113378.2 (MANE Select); coding-DNA position 3237, G replaced by A.
Protein change: p.Thr1079=; no amino-acid change (threonine 1079 retained).
Molecular consequence: synonymous variant.
Genome position (GRCh38, 1-based): chr15:89,305,391, G>A. VCF-style: chr15-89305391-G-A. GRCh37 (hg19) VCF-style: chr15-89848622-G-A.
Other names: c.2958G>A, p.Thr986= (NM_001376910.1); c.3237G>A, p.Thr1079= (NM_001376911.1); c.3057G>A, p.Thr1019= (NM_018193.3).
Identifiers: ClinVar variation 317291 (VCV000317291.38), dbSNP rs767103109, ClinGen allele CA7723643.

ClinVar aggregate classification (germline): Conflicting classifications of pathogenicity. Review status: criteria provided, conflicting classifications (1 of 4 stars). 4 submissions from 4 submitters: Uncertain significance (1); Likely benign (2). 1 of the submissions does not count toward it. Last evaluated 2025-12-14.

Conditions:
Fanconi anemia (FA). Also called: Fanconi's anemia. Identifiers: Orphanet 84, MedGen C0015625, MeSH D005199, MONDO:0019391.
Fanconi anemia complementation group I (FANCI). Also called: FANCI-Related Fanconi Anemia. Identifiers: Orphanet 84, MedGen C1836861, MONDO:0012186, OMIM 609053.
FANCI-related disorder. Also called: FANCI-related condition.

Allele frequency attached by ClinVar (database versions not stated): gnomAD 0.00001 and 0.00002; TOPMed 0.00001; gnomAD exomes 0.00003 and 0.00005; ExAC 0.00005.
gnomAD v4.1: 70 of 1,613,688 alleles (0.0043%); highest among the groups gnomAD compares: East Asian, 0.14%; no homozygotes.

Submissions (4):

Labcorp Genetics (formerly Invitae), Labcorp
Classification: Likely benign for Fanconi anemia. Last evaluated: 2025-12-14. Review status: criteria provided, single submitter. Criteria: Invitae Variant Classification Sherloc (09022015). Collection method: clinical testing. Allele origin: germline.

CeGaT Center for Human Genetics Tuebingen
Classification: Likely benign. Last evaluated: 2025-09-01. Review status: criteria provided, single submitter. Criteria: CeGaT Center For Human Genetics Tuebingen Variant Classification Criteria Version 2. Collection method: clinical testing. Allele origin: germline. Affected: yes. Observed: 2 variant alleles.
Comment: FANCI: BP4, BP7

Illumina Laboratory Services, Illumina
Classification: Uncertain significance for Fanconi anemia complementation group I. Last evaluated: 2018-01-13. Review status: criteria provided, single submitter. Criteria: ICSL Variant Classification Criteria 13 December 2019. Collection method: clinical testing. Allele origin: germline.

PreventionGenetics, part of Exact Sciences
Classification: Likely benign for FANCI-related condition. Last evaluated: 2019-03-20. Review status: no assertion criteria provided. Collection method: clinical testing. Allele origin: germline. Not counted in ClinVar's aggregate classification.
Comment: This variant is classified as likely benign based on ACMG/AMP sequence variant interpretation guidelines (Richards et al. 2015 PMID: 25741868, with internal and published modifications).